The following is an entry in ClinVar:

ClinVar aggregate classification (germline): Pathogenic. Review status: reviewed by expert panel (3 of 4 stars). 23 submissions from 23 submitters: Pathogenic (1). 22 of the submissions do not count toward it. Last evaluated 2026-07-20.

Conditions:
Joubert syndrome. Also called: Familial aplasia of the vermis; JOUBERT-BOLTSHAUSER SYNDROME. Identifiers: Orphanet 475, MedGen C5979921, MONDO:0018772.
Nephronophthisis. Also called: Juvenile Nephronophthisis. Identifiers: Orphanet 655, MedGen C0687120, MONDO:0019005, HP:0000090.
Meckel-Gruber syndrome. Also called: Dysencephalia splachnocystica; DYSENCEPHALIA SPLANCHNOCYSTICA; GRUBER SYNDROME. Identifiers: Orphanet 564, MedGen C0265215, MONDO:0018921.
Autosomal recessive CEP290-related disorders.
Retinal dystrophy. Also called: Inherited retinal dystrophy. Identifiers: Orphanet 71862, MedGen C0854723, MeSH D058499, MONDO:0019118, HP:0000556.
Leber congenital amaurosis 10 (LCA10). Identifiers: Orphanet 65, MedGen C1857821, MONDO:0012723, OMIM 611755.
Senior-Loken syndrome 6 (SLSN6). Identifiers: Orphanet 3156, MedGen C1857779, MONDO:0012433, OMIM 610189.
Joubert syndrome 5 (JBTS5). Identifiers: Orphanet 2318, MedGen C1857780, MONDO:0012432, OMIM 610188.
Bardet-Biedl syndrome 14 (BBS14). Identifiers: Orphanet 110, MedGen C2673874, MONDO:0014442, OMIM 615991.
Meckel syndrome, type 4 (MKS4). Also called: MECKEL-GRUBER SYNDROME, TYPE 4. Identifiers: Orphanet 564, MedGen C1970161, MONDO:0012626, OMIM 611134.
CEP290-related ciliopathy. Also called: CEP290 ciliopathy. Identifiers: MedGen CN305601, MONDO:0100451.
CEP290-related disorder. Also called: CEP290-related disorders; CEP290-related condition. Identifiers: MedGen CN239314.
Leber congenital amaurosis (LCA). Also called: Leber's amaurosis. Identifiers: Orphanet 65, MedGen C0339527, MeSH D057130, MONDO:0018998.
Joubert syndrome 1 (JBTS1). Also called: Cerebellooculorenal syndrome 1; CEREBELLOPARENCHYMAL DISORDER IV. Identifiers: MedGen C4551568, MONDO:0008944, OMIM 213300.
Retinal disorder. Also called: Retinopathies; Retinal Diseases; Retinal disorders; Retinopathy. Identifiers: MedGen C0035309, MONDO:0005283, HP:0000488.

Submissions 1 to 8 of 23:

ClinGen Leber Congenital Amaurosis/early Onset Retinal Dystrophy Variant Curation Expert Panel, ClinGen
Classification: Pathogenic for CEP290-related ciliopathy. Last evaluated: 2026-07-20. Review status: reviewed by expert panel. Criteria: ClinGen LCAeoRD ACMG Specifications CEP290 V1.0.0. Collection method: curation. Allele origin: germline. Inheritance: Autosomal recessive inheritance.
Comment: NM_025114.4(CEP290):c.1666del (p.Ile556PhefsTer17) is a frameshift variant that introduces a premature stop codon into exon 17 of 54 and is predicted to lead to nonsense-mediated decay in a gene in which loss-of-function is an established mechanism of disease (PVS1). This variant is present in gnomAD v4.1.1 at a total allele frequency of 0.0001611, with 242 alleles / 1,502,300 total alleles, which is lower than the ClinGen LCA/eoRD VCEP PM2_Supporting threshold of <0.0006 (PM2_Supporting). The variant has been reported to segregate with childhood-onset severe retinal dystrophy through the proband plus 1 similarly affected relative, with the variant present in the compound heterozygous state (PMID: 34196655, PP1). In summary, this variant meets the criteria to be classified as Pathogenic for CEP290-related ciliopathy based on the ACMG/AMP criteria applied, as specified by the ClinGen LCA/eoRD VCEP: PVS1, PM2_Supporting, and PP1. (LCA/eoRD VCEP Specifications for CEP290 Version 1.0.0)

Genetics Laboratory, Great Ormond Street Hospital NHS Foundation Trust, North Thames Genomic Laboratory Hub
Classification: Pathogenic for Retinal disorders. Last evaluated: 2026-04-21. Review status: criteria provided, single submitter. Criteria: ACGS Best Practice Guidelines for Variant Classification in Rare Disease 2024 v1.2. Collection method: clinical testing. Allele origin: germline. Affected: yes. Not counted in ClinVar's aggregate classification.
Comment: PM2_moderate, PVS1_very-strong, PM3_very-strong

Victorian Clinical Genetics Services, Murdoch Childrens Research Institute
Classification: Pathogenic for Joubert syndrome 5. Last evaluated: 2026-01-16. Review status: criteria provided, single submitter. Criteria: ACMG Guidelines, 2015. Collection method: clinical testing. Allele origin: germline. Affected: yes. Not counted in ClinVar's aggregate classification.
Comment: This variant is classified as Pathogenic. Evidence in support of pathogenic classification: Variant is predicted to cause nonsense-mediated decay (NMD) and loss of protein (premature termination codon is located at least 54 nucleotides upstream of the final exon-exon junction); Variant is present in gnomAD <0.01 for a recessive condition (v2: 245 heterozygote(s), 0 homozygote(s)); This variant has strong previous evidence of pathogenicity in unrelated individuals. This variant has been classified as pathogenic by multiple clinical laboratories in ClinVar and reported in a compound heterozygous state in multiple individuals with CEP290-related conditions (PMID: 32865313); Other NMD-predicted variants comparable to the one identified in this case have very strong previous evidence for pathogenicity (DECIPHER). Additional information: This variant is heterozygous; This gene is associated with autosomal recessive disease; Loss of function is a known mechanism of disease in this gene and is associated with Joubert syndrome 5 (MIM#610188), Leber congenital amaurosis 10 (MIM#611755), Meckel syndrome 4 (MIM#611134) and Senior-Loken syndrome 6 (MIM#610189).

Natera, Inc.
Classification: Pathogenic for Leber congenital amaurosis. Last evaluated: 2025-08-21. Review status: criteria provided, single submitter. Criteria: Natera Variant Classification Schema (03/2026). Collection method: clinical testing. Allele origin: germline. Not counted in ClinVar's aggregate classification.
Comment: The c.1666delA variant in CEP290 is a frameshift variant predicted to shift the reading frame beginning at codon 556 and leads to a stop codon 17 codons downstream. This variant is expected to result in nonsense mediated decay, truncation, or a dysfunctional protein product. This variant is rare in the general population with a frequency below the threshold expected for the associated phenotype(s). This variant has been observed in one or more individuals affected with the associated recessive disease, as either homozygous or compound heterozygous with a second variant (PMID: 33970760, 31087526). Given the available evidence, this variant is classified as Pathogenic.

Variantyx, Inc.
Classification: Pathogenic for Autosomal recessive CEP290-related disorders. Last evaluated: 2025-06-30. Review status: criteria provided, single submitter. Criteria: Variantyx Assertion Criteria 2022. Collection method: clinical testing. Allele origin: germline. Inheritance: Autosomal recessive inheritance. Not counted in ClinVar's aggregate classification.
Comment: This is a frameshift variant in the CEP290 gene (OMIM: 610142). Pathogenic variants in this gene have been associated with autosomal recessive CEP290-related disorders. This variant introduces a premature termination codon in exon 17 out of 54 and is expected to result in loss of function, which is a known disease mechanism for CEP290 (PMID: 20690115) (PVS1). This variant has been reported in the homozygous or compound heterozygous state in many unrelated, affected individuals (PMID: 29771326, 27491411, 31087526, 32865313, 33576794, 33970760, 34196655, 35627109, 17564967) (PM3_Very_Strong). It has a 0.04568% maximum allele frequency in non-founder control populations (PM2_Supporting). Based on the current evidence, this variant is classified as pathogenic for autosomal recessive CEP290-related disorders.

Labcorp Genetics (formerly Invitae), Labcorp
Classification: Pathogenic for Joubert syndrome; Meckel-Gruber syndrome; Nephronophthisis. Last evaluated: 2024-10-26. Review status: criteria provided, single submitter. Criteria: Invitae Variant Classification Sherloc (09022015). Collection method: clinical testing. Allele origin: germline. Not counted in ClinVar's aggregate classification.
Comment: This sequence change creates a premature translational stop signal (p.Ile556Phefs*17) in the CEP290 gene. It is expected to result in an absent or disrupted protein product. Loss-of-function variants in CEP290 are known to be pathogenic (PMID: 16909394, 17345604, 20690115). The frequency data for this variant in the population databases is considered unreliable, as metrics indicate poor data quality at this position in the gnomAD database. This premature translational stop signal has been observed in individuals with Joubert syndrome (PMID: 26047050, 26092869, 27491411). It has also been observed to segregate with disease in related individuals. ClinVar contains an entry for this variant (Variation ID: 217622). For these reasons, this variant has been classified as Pathogenic.

Genomic Medicine Center of Excellence, King Faisal Specialist Hospital and Research Centre
Classification: Pathogenic for Joubert syndrome 5. Last evaluated: 2024-10-13. Review status: criteria provided, single submitter. Criteria: ACMG Guidelines, 2015. Collection method: clinical testing. Allele origin: germline. Not counted in ClinVar's aggregate classification.
Comment: This sequence change creates a premature translational stop signal (GRCh38; NM_025114.4:c.1666del:p.Ile556PhefsTer17) in the CEP290 protein. This alteration is expected to result in loss of function by premature termination codon resulting in protein truncation, or nonsense-mediated mRNA decay. This alteration is interpreted as disease-causing mutation, a commonly known mechanism for disease. Well-established in-vitro or in-vivo functional studies supportive of a damaging effect on the gene or gene product PMID: 29771326 ClinVar contains an entry for this variant (Variation ID: 217622). This variant is associated with the following publications: PubMed: 26047050, 17564967, 26092869, 29771326, 27491411 In summary, this variant meets our criteria for classification as pathogenic based on the evidence outlined.

Fulgent Genetics
Classification: Pathogenic for Joubert syndrome 5; Senior-Loken syndrome 6; Meckel syndrome, type 4; Leber congenital amaurosis 10; Bardet-Biedl syndrome 14. Last evaluated: 2024-06-10. Review status: criteria provided, single submitter. Criteria: ACMG Guidelines, 2015. Collection method: clinical testing. Allele origin: germline. Not counted in ClinVar's aggregate classification.

NM_025114.4(CEP290):c.1666del (p.Ile556fs)

Gene: CEP290 (centrosomal protein 290; minus strand). Cytogenetic location: 12q21.32.
Variant type: Deletion.
Coding change: c.1666del on transcript NM_025114.4 (MANE Select); coding-DNA position 1666, one base deleted (A; older notation c.1666delA).
Protein change: p.Ile556fs; shifts the reading frame from isoleucine 556.
Molecular consequence: frameshift variant.
Genome position (GRCh38, 1-based): chr12:88,118,528, T deleted on the plus strand (A on the coding strand, the reverse complement: CEP290 is on the minus strand); the first of 10 consecutive T bases (chr12:88,118,528-88,118,537); deleting any one gives the same sequence. VCF-style (leftmost placement, unchanged base first): chr12-88118527-AT-A. GRCh37 (hg19) VCF-style: chr12-88512304-AT-A.
Other names: p.Ile556fs; NM_025114.4(CEP290):c.1666del; c.1666delA (NM_025114.3, NM_025114.4); short protein forms I556fs.
Identifiers: ClinVar variation 217622 (VCV000217622.32), dbSNP rs727503855, ClinGen allele CA277812.